The following is an entry in ClinVar:

NM_032638.5(GATA2):c.1210T>C (p.Ser404Pro)

Gene: GATA2 (GATA binding protein 2; minus strand). Cytogenetic location: 3q21.3.
Variant type: single nucleotide variant.
Coding change: c.1210T>C on transcript NM_032638.5 (MANE Select); coding-DNA position 1210, T replaced by C.
Protein change: p.Ser404Pro; replaces serine 404 with proline.
Molecular consequence: missense variant.
Genome position (GRCh38, 1-based): chr3:128,481,252, A>G on the plus strand (T>C on the coding strand, the complement: GATA2 is on the minus strand). VCF-style: chr3-128481252-A-G. GRCh37 (hg19) VCF-style: chr3-128200095-A-G.
Other names: c.1210T>C, p.Ser404Pro (NM_001145661.2); c.1168T>C, p.Ser390Pro (NM_001145662.1); short protein forms S404P, S390P.
Identifiers: ClinVar variation 1430086 (VCV001430086.8), dbSNP rs2107668026, ClinGen allele CA354413142.

ClinVar aggregate classification (germline): Uncertain significance (1 of 4 stars; one submission).

Conditions:
Monocytopenia with susceptibility to infections. Also called: MONOCYTOPENIA AND MYCOBACTERIAL INFECTION SYNDROME; Dendritic cell, monocyte, B lymphocyte, and natural killer lymphocyte deficiency; MONOCYTOPENIA WITH SUSCEPTIBILITY TO MYCOBACTERIAL, FUNGAL, AND PAPILLOMAVIRUS INFECTIONS AND MYELODYSPLASIA; COMBINED IMMUNODEFICIENCY WITH SUSCEPTIBILITY TO MYCOBACTERIAL, VIRAL, AND FUNGAL INFECTIONS; IMMUNODEFICIENCY 21; GATA2 DEFICIENCY. Identifiers: Orphanet 228423, MedGen C3280030, MONDO:0013607, OMIM 614172.
Deafness-lymphedema-leukemia syndrome. Also called: Lymphedema, primary, with myelodysplasia; Emberger syndrome. Identifiers: Orphanet 3226, MedGen C3279664, MONDO:0013540, OMIM 614038.

Submission:

Labcorp Genetics (formerly Invitae), Labcorp
Classification: Uncertain significance for Monocytopenia with susceptibility to infections; Deafness-lymphedema-leukemia syndrome. Last evaluated: 2021-08-03. Review status: criteria provided, single submitter. Criteria: Invitae Variant Classification Sherloc (09022015). Collection method: clinical testing. Allele origin: germline.
Comment: This variant is not present in population databases (ExAC no frequency). In summary, the available evidence is currently insufficient to determine the role of this variant in disease. Therefore, it has been classified as a Variant of Uncertain Significance. Advanced modeling of protein sequence and biophysical properties (such as structural, functional, and spatial information, amino acid conservation, physicochemical variation, residue mobility, and thermodynamic stability) performed at Invitae indicates that this missense variant is expected to disrupt GATA2 protein function. This variant has not been reported in the literature in individuals with GATA2-related conditions. This sequence change replaces serine with proline at codon 404 of the GATA2 protein (p.Ser404Pro). The serine residue is highly conserved and there is a moderate physicochemical difference between serine and proline.